The following is an entry in ClinVar:

NM_015072.5(TTLL5):c.1270C>T (p.Gln424Ter)

Gene: TTLL5 (tubulin tyrosine ligase like 5; plus strand). Cytogenetic location: 14q24.3.
Variant type: single nucleotide variant.
Coding change: c.1270C>T on transcript NM_015072.5 (MANE Select); coding-DNA position 1270, C replaced by T.
Protein change: p.Gln424Ter; replaces glutamine 424 with a stop codon.
Molecular consequence: nonsense.
Genome position (GRCh38, 1-based): chr14:75,735,278, C>T. VCF-style: chr14-75735278-C-T. GRCh37 (hg19) VCF-style: chr14-76201621-C-T.
Other names: short protein forms Q424*.
Identifiers: ClinVar variation 2098310 (VCV002098310.4), dbSNP rs2503134264, ClinGen allele CA390461985.

ClinVar aggregate classification (germline): Pathogenic (1 of 4 stars; one submission).

Allele frequency attached by ClinVar (database versions not stated): gnomAD exomes below 0.00001.
gnomAD v4.1: 2 of 1,614,166 alleles (0.00012%); highest among the groups gnomAD compares: Admixed American, 0.0033%; no homozygotes.

Submission:

Labcorp Genetics (formerly Invitae), Labcorp
Classification: Pathogenic. Last evaluated: 2022-05-17. Review status: criteria provided, single submitter. Criteria: Invitae Variant Classification Sherloc (09022015). Collection method: clinical testing. Allele origin: germline.
Comment: For these reasons, this variant has been classified as Pathogenic. This variant has not been reported in the literature in individuals affected with TTLL5-related conditions. This variant is not present in population databases (gnomAD no frequency). This sequence change creates a premature translational stop signal (p.Gln424*) in the TTLL5 gene. It is expected to result in an absent or disrupted protein product. Loss-of-function variants in TTLL5 are known to be pathogenic (PMID: 24791901, 27162334).

Literature cited by the submitters: PubMed 24791901; PubMed 27162334.